The following is an entry in ClinVar:

NM_005120.3(MED12):c.3209+4T>C

Gene: MED12 (mediator complex subunit 12; plus strand). Cytogenetic location: Xq13.1.
Variant type: single nucleotide variant.
Coding change: c.3209+4T>C on transcript NM_005120.3 (MANE Select); 4 bases into the intron after coding-DNA position 3209, T replaced by C.
Molecular consequence: intron variant.
Genome position (GRCh38, 1-based): chrX:71,128,124, T>C. VCF-style: chrX-71128124-T-C. GRCh37 (hg19) VCF-style: chrX-70347974-T-C.
Identifiers: ClinVar variation 2987521 (VCV002987521.3), dbSNP rs1186823223, ClinGen allele CA877813145.
Genomic context (GRCh38, chrX:71,128,124, plus strand): 5'-CAGCTTTGTCTGCAATGCCCTTATGCACGTCTGTGTGGGGCACCATGATCCCGATAGGTA[T>C]GGGGTGTACTGAGTGAGGAAGGGCACCATGCCCCCATCTGAGATAGGGAGGGCTGAGGTA-3'

ClinVar aggregate classification (germline): Uncertain significance (1 of 4 stars; one submission).

Conditions:
FG syndrome (FGS). Identifiers: MedGen C0220769, MONDO:0002010.

Allele frequency attached by ClinVar (database versions not stated): gnomAD 0.00001; TOPMed 0.00002.
gnomAD v4.1: 1 of 1,202,768 alleles (0.000083%); highest among the groups gnomAD compares: African/African-American, 0.0018%; no homozygotes.

Submission:

Labcorp Genetics (formerly Invitae), Labcorp
Classification: Uncertain significance for FG syndrome. Last evaluated: 2023-03-28. Review status: criteria provided, single submitter. Criteria: Invitae Variant Classification Sherloc (09022015). Collection method: clinical testing. Allele origin: germline.
Comment: In summary, the available evidence is currently insufficient to determine the role of this variant in disease. Therefore, it has been classified as a Variant of Uncertain Significance. Variants that disrupt the consensus splice site are a relatively common cause of aberrant splicing (PMID: 17576681, 9536098). Algorithms developed to predict the effect of sequence changes on RNA splicing suggest that this variant is not likely to affect RNA splicing. This variant has not been reported in the literature in individuals affected with MED12-related conditions. This variant is not present in population databases (gnomAD no frequency). This sequence change falls in intron 22 of the MED12 gene. It does not directly change the encoded amino acid sequence of the MED12 protein. It affects a nucleotide within the consensus splice site.

Literature cited by the submitters: PubMed 17576681; PubMed 9536098.